The following is an entry in ClinVar:

Single allele

Gene: DMD (dystrophin; minus strand). Cytogenetic location: Xp21.2.
Variant type: Duplication.
Identifiers: ClinVar variation 1120172 (VCV001120172.5).

ClinVar aggregate classification (germline): Pathogenic (1 of 4 stars; one submission).

Submission:

Mayo Clinic Laboratories, Mayo Clinic
Classification: Pathogenic. Last evaluated: 2019-12-26. Review status: criteria provided, single submitter. Criteria: ACMG Guidelines, 2015. Collection method: clinical testing. Allele origin: germline. Observed: 2 variant alleles.
Comment: An out-of-frame duplication involving exons 61-62 of the DMD gene.

Literature cited by the submitters: PubMed 18683213.